The following is an entry in ClinVar:

ClinVar aggregate classification (germline): Uncertain significance (1 of 4 stars; one submission).

Submission:

GeneDx
Classification: Uncertain significance. Last evaluated: 2019-11-13. Review status: criteria provided, single submitter. Criteria: GeneDx Variant Classification Process June 2021. Collection method: clinical testing. Allele origin: germline. Affected: yes.
Comment: In-frame deletion of 1 amino acid in a non-repeat region; In silico analysis, which includes protein predictors and evolutionary conservation, supports that this variant does not alter protein structure/function; Has not been previously published as pathogenic or benign to our knowledge

NM_006734.4(HIVEP2):c.6523AGA[1] (p.Arg2176del)

Gene: HIVEP2 (HIVEP zinc finger 2; minus strand). Cytogenetic location: 6q24.2.
Variant type: Microsatellite.
Coding change: c.6523AGA[1] on transcript NM_006734.4 (MANE Select); one copy of the 3-base unit AGA starting at c.6523; the reference has two copies in a row; one copy, 3 bases deleted.
Protein change: p.Arg2176del; deletes arginine 2176.
Molecular consequence: inframe deletion.
Genome position (GRCh38, 1-based): chr6:142,753,920-142,753,922, TCT deleted on the plus strand (AGA on the coding strand, the reverse complement: HIVEP2 is on the minus strand); deleting any 3 consecutive bases within chr6:142,753,920-142,753,926 gives the same sequence; the position shown is the placement nearest the transcript's 3' end. VCF-style (leftmost placement, unchanged base first): chr6-142753919-CTCT-C. GRCh37 (hg19) VCF-style: chr6-143075056-CTCT-C.
Other names: short protein forms R2176del.
Identifiers: ClinVar variation 1309839 (VCV001309839.2), dbSNP rs758661650, ClinGen allele CA4027658.